The following is an entry in ClinVar:

ClinVar aggregate classification (germline): Pathogenic (1 of 4 stars; one submission).

Conditions:
Peroxisome biogenesis disorder. Identifiers: Orphanet 79189, MedGen C1832200, MONDO:0019234. Disease mechanism: loss of function.

Submission:

Myriad Genetics, Inc.
Classification: Pathogenic for Peroxisome biogenesis disorder. Last evaluated: 2025-10-21. Review status: criteria provided, single submitter. Criteria: Myriad Autosomal Dominant, Autosomal Recessive and X-Linked Classification Criteria (2023). Collection method: clinical testing. Allele origin: unknown.
Comment: NM_153818.1(PEX10):c.440_445del6ins4(H147Pfs*7) is expected to be pathogenic in the context of peroxisome biogenesis disorder type 6. This variant is predicted to lead to an abnormal or absent protein product due to the creation of a premature termination codon in PEX10, a gene where loss-of-function variants are known to be pathogenic. Please note: this variant was assessed in the context of healthy population screening.

NM_002617.4(PEX10):c.440_445delinsCACT (p.His147fs)

Gene: PEX10 (peroxisomal biogenesis factor 10; minus strand). Cytogenetic location: 1p36.32.
Variant type: Indel.
Coding change: c.440_445delinsCACT on transcript NM_002617.4 (MANE Select); coding-DNA positions 440 to 445, ACCACA replaced by CACT.
Protein change: p.His147fs; shifts the reading frame from histidine 147.
Molecular consequence: frameshift variant. On other transcripts: non-coding transcript variant (1).
Genome position (GRCh38, 1-based): chr1:2,408,607-2,408,612, TGTGGT replaced by AGTG on the plus strand (ACCACA replaced by CACT on the coding strand, the reverse complement: PEX10 is on the minus strand). VCF-style: chr1-2408607-TGTGGT-AGTG. GRCh37 (hg19) VCF-style: chr1-2340046-TGTGGT-AGTG.
Other names: c.440_445delinsCACT, p.His147fs (NM_001374425.1, NM_153818.2); c.8_13delinsCACT, p.His3fs (NM_001374426.1, NM_001374427.1); short protein forms H147fs, H3fs.
Identifiers: ClinVar variation 5015120 (VCV005015120.1).